The following is an entry in ClinVar:

ClinVar aggregate classification (germline): Uncertain significance (1 of 4 stars; one submission).

Conditions:
Growth hormone insensitivity with immune dysregulation 1, autosomal recessive. Also called: LARON SYNDROME DUE TO POSTRECEPTOR DEFECT; GROWTH HORMONE INSENSITIVITY SYNDROME WITH IMMUNE DYSREGULATION 1, AUTOSOMAL RECESSIVE; GROWTH HORMONE INSENSITIVITY DUE TO POSTRECEPTOR DEFECT; Laron syndrome with immunodeficiency. Identifiers: Orphanet 220465, MedGen C5435698, MONDO:0100211, OMIM 245590.

Allele frequency attached by ClinVar (database versions not stated): gnomAD exomes below 0.00001.
gnomAD v4.1: 1 of 1,614,232 alleles (0.000062%); highest among the groups gnomAD compares: Non-Finnish European, 0.000085%; no homozygotes.

Submission:

Labcorp Genetics (formerly Invitae), Labcorp
Classification: Uncertain significance for Growth hormone insensitivity with immune dysregulation 1, autosomal recessive. Last evaluated: 2018-12-27. Review status: criteria provided, single submitter. Criteria: Invitae Variant Classification Sherloc (09022015). Collection method: clinical testing. Allele origin: germline.
Comment: This variant has not been reported in the literature in individuals with STAT5B-related conditions. This variant is not present in population databases (ExAC no frequency). This sequence change replaces methionine with valine at codon 726 of the STAT5B protein (p.Met726Val). The methionine residue is highly conserved and there is a small physicochemical difference between methionine and valine. Algorithms developed to predict the effect of missense changes on protein structure and function (SIFT, PolyPhen-2, Align-GVGD) all suggest that this variant is likely to be tolerated, but these predictions have not been confirmed by published functional studies and their clinical significance is uncertain. In summary, the available evidence is currently insufficient to determine the role of this variant in disease. Therefore, it has been classified as a Variant of Uncertain Significance.

NM_012448.4(STAT5B):c.2176A>G (p.Met726Val)

Gene: STAT5B (signal transducer and activator of transcription 5B; minus strand). Cytogenetic location: 17q21.2.
Variant type: single nucleotide variant.
Coding change: c.2176A>G on transcript NM_012448.4 (MANE Select); coding-DNA position 2176, A replaced by G.
Protein change: p.Met726Val; replaces methionine 726 with valine.
Molecular consequence: missense variant.
Genome position (GRCh38, 1-based): chr17:42,202,401, T>C on the plus strand (A>G on the coding strand, the complement: STAT5B is on the minus strand). VCF-style: chr17-42202401-T-C. GRCh37 (hg19) VCF-style: chr17-40354419-T-C.
Other names: short protein forms M726V.
Identifiers: ClinVar variation 649575 (VCV000649575.9), dbSNP rs1598292098, ClinGen allele CA399573489.